The following is an entry in ClinVar:

NM_021620.4(PRDM13):c.1403A>C (p.Glu468Ala)

Gene: PRDM13 (PR/SET domain 13; plus strand). Cytogenetic location: 6q16.2.
Variant type: single nucleotide variant.
Coding change: c.1403A>C on transcript NM_021620.4 (MANE Select); coding-DNA position 1403, A replaced by C.
Protein change: p.Glu468Ala; replaces glutamic acid 468 with alanine.
Molecular consequence: missense variant.
Genome position (GRCh38, 1-based): chr6:99,614,038, A>C. VCF-style: chr6-99614038-A-C. GRCh37 (hg19) VCF-style: chr6-100061914-A-C.
Other names: short protein forms E468A.
Identifiers: ClinVar variation 941720 (VCV000941720.12), dbSNP rs373818597, ClinGen allele CA3936380.

ClinVar aggregate classification (germline): Conflicting classifications of pathogenicity. Review status: criteria provided, conflicting classifications (1 of 4 stars). 4 submissions from 4 submitters: Uncertain significance (3); Likely benign (1). Last evaluated 2025-12-29.

Conditions:
PRDM13-related disorder. Also called: PRDM13-related condition.
Inborn genetic diseases. Identifiers: MedGen C0950123, MeSH D030342.

Allele frequency attached by ClinVar (database versions not stated): ExAC 0.00004; gnomAD 0.00005; TOPMed 0.00005; gnomAD exomes 0.00006 and 0.00007; ESP Exome Variant Server 0.00017.

Submissions (4):

PreventionGenetics, part of Exact Sciences
Classification: Uncertain significance for PRDM13-related condition. Last evaluated: 2025-12-29. Review status: criteria provided, single submitter. Criteria: ACMG Guidelines, 2015. Collection method: clinical testing. Allele origin: germline.
Comment: The PRDM13 c.1403A>C variant is predicted to result in the amino acid substitution p.Glu468Ala. To our knowledge, this variant has not been reported in the literature. This variant is reported in 0.017% of alleles in individuals of South Asian descent in gnomAD. At this time, the clinical significance of this variant is uncertain due to the absence of conclusive functional and genetic evidence.

Labcorp Genetics (formerly Invitae), Labcorp
Classification: Uncertain significance. Last evaluated: 2025-11-04. Review status: criteria provided, single submitter. Criteria: Invitae Variant Classification Sherloc (09022015). Collection method: clinical testing. Allele origin: germline.
Comment: This sequence change replaces glutamic acid, which is acidic and polar, with alanine, which is neutral and non-polar, at codon 468 of the PRDM13 protein (p.Glu468Ala). This variant is present in population databases (rs373818597, gnomAD 0.02%). This variant has not been reported in the literature in individuals affected with PRDM13-related conditions. ClinVar contains an entry for this variant (Variation ID: 941720). An algorithm developed to predict the effect of missense changes on protein structure and function (PolyPhen-2) suggests that this variant is likely to be disruptive. In summary, the available evidence is currently insufficient to determine the role of this variant in disease. Therefore, it has been classified as a Variant of Uncertain Significance.

Blueprint Genetics
Classification: Likely benign. Last evaluated: 2024-11-04. Review status: criteria provided, single submitter. Criteria: ACMG Guidelines, 2015. Collection method: clinical testing. Allele origin: germline.

Ambry Genetics
Classification: Uncertain significance for Inborn genetic diseases. Last evaluated: 2024-03-20. Review status: criteria provided, single submitter. Criteria: Ambry Variant Classification Scheme 2023. Collection method: clinical testing. Allele origin: germline.